The following is an entry in ClinVar:

NM_001283009.2(RTEL1):c.1762C>G (p.Leu588Val)

Genes: RTEL1 (regulator of telomere elongation helicase 1; plus strand), RTEL1-TNFRSF6B (RTEL1-TNFRSF6B readthrough (NMD candidate); plus strand). Cytogenetic location: 20q13.33.
Variant type: single nucleotide variant.
Coding change: c.1762C>G on transcript NM_001283009.2 (MANE Select); coding-DNA position 1762, C replaced by G.
Protein change: p.Leu588Val; replaces leucine 588 with valine.
Molecular consequence: missense variant. On other transcripts: non-coding transcript variant (1).
Genome position (GRCh38, 1-based): chr20:63,688,567, C>G. VCF-style: chr20-63688567-C-G. GRCh37 (hg19) VCF-style: chr20-62319920-C-G.
Other names: c.1093C>G, p.Leu365Val (NM_001283010.1); c.1762C>G, p.Leu588Val (NM_016434.4); c.1834C>G, p.Leu612Val (NM_032957.5); short protein forms L365V, L588V, L612V.
Identifiers: ClinVar variation 3948482 (VCV003948482.1).

ClinVar aggregate classification (germline): Uncertain significance (1 of 4 stars; one submission).

Conditions:
Inborn genetic diseases. Identifiers: MedGen C0950123, MeSH D030342.

Submission:

Ambry Genetics
Classification: Uncertain significance for Inborn genetic diseases. Last evaluated: 2025-06-09. Review status: criteria provided, single submitter. Criteria: Ambry Variant Classification Scheme 2023. Collection method: clinical testing. Allele origin: germline.
Comment: The p.L588V variant (also known as c.1762C>G), located in coding exon 20 of the RTEL1 gene, results from a C to G substitution at nucleotide position 1762. The leucine at codon 588 is replaced by valine, an amino acid with highly similar properties. This amino acid position is conserved. In addition, this alteration is predicted to be tolerated by in silico analysis. Based on the available evidence, the clinical significance of this variant remains unclear.